The following is an entry in ClinVar:

NM_153240.5(NPHP3):c.1747A>T (p.Met583Leu)

Genes: NPHP3 (nephrocystin 3; minus strand), NPHP3-ACAD11 (NPHP3-ACAD11 readthrough (NMD candidate); minus strand). Cytogenetic location: 3q22.1.
Variant type: single nucleotide variant.
Coding change: c.1747A>T on transcript NM_153240.5 (MANE Select); coding-DNA position 1747, A replaced by T.
Protein change: p.Met583Leu; replaces methionine 583 with leucine.
Molecular consequence: missense variant. On other transcripts: non-coding transcript variant (1).
Genome position (GRCh38, 1-based): chr3:132,700,058, T>A on the plus strand (A>T on the coding strand, the complement: NPHP3 is on the minus strand). VCF-style: chr3-132700058-T-A. GRCh37 (hg19) VCF-style: chr3-132418902-T-A.
Other names: short protein forms M583L.
Identifiers: ClinVar variation 1004216 (VCV001004216.7), dbSNP rs1397511848, ClinGen allele CA354582890.

ClinVar aggregate classification (germline): Uncertain significance (1 of 4 stars; one submission).

Conditions:
Nephronophthisis. Also called: Juvenile Nephronophthisis. Identifiers: Orphanet 655, MedGen C0687120, MONDO:0019005, HP:0000090.

Allele frequency attached by ClinVar (database versions not stated): gnomAD exomes below 0.00001; TOPMed below 0.00001; gnomAD 0.00001.
gnomAD v4.1: 5 of 1,613,988 alleles (0.00031%); highest among the groups gnomAD compares: Non-Finnish European, 0.00034%; no homozygotes.

Submission:

Labcorp Genetics (formerly Invitae), Labcorp
Classification: Uncertain significance for Nephronophthisis. Last evaluated: 2020-09-12. Review status: criteria provided, single submitter. Criteria: Invitae Variant Classification Sherloc (09022015). Collection method: clinical testing. Allele origin: germline.
Comment: In summary, the available evidence is currently insufficient to determine the role of this variant in disease. Therefore, it has been classified as a Variant of Uncertain Significance. Algorithms developed to predict the effect of missense changes on protein structure and function (SIFT, PolyPhen-2, Align-GVGD) all suggest that this variant is likely to be tolerated, but these predictions have not been confirmed by published functional studies and their clinical significance is uncertain. This variant has not been reported in the literature in individuals with NPHP3-related conditions. This variant is not present in population databases (ExAC no frequency). This sequence change replaces methionine with leucine at codon 583 of the NPHP3 protein (p.Met583Leu). The methionine residue is highly conserved and there is a small physicochemical difference between methionine and leucine.